The following is an entry in ClinVar:

ClinVar aggregate classification (germline): Uncertain significance. Review status: criteria provided, multiple submitters, no conflicts (2 of 4 stars). 3 submissions from 3 submitters: Uncertain significance (3). Last evaluated 2023-06-14.

Conditions:
Myopathy, myofibrillar, 9, with early respiratory failure (MFM9). Also called: EDSTROM MYOPATHY; MYOPATHY, PROXIMAL, WITH EARLY RESPIRATORY MUSCLE INVOLVEMENT; Myopathy, distal, with early respiratory failure, autosomal dominant; Hereditary myopathy with early respiratory failure. Identifiers: Orphanet 178464, Orphanet 34521, MedGen C1863599, MONDO:0011362, OMIM 603689.
Early-onset myopathy with fatal cardiomyopathy (CMYO5). Also called: CONGENITAL MYOPATHY 5 WITH CARDIOMYOPATHY; Salih Myopathy. Identifiers: Orphanet 289377, MedGen C2673677, MONDO:0012714, OMIM 611705. Disease mechanism: loss of function.
Hypertrophic cardiomyopathy 9. Also called: Familial hypertrophic cardiomyopathy 9. Identifiers: MedGen C1861065, MONDO:0013412, OMIM 613765.
Dilated cardiomyopathy 1G (CMD1G). Identifiers: Orphanet 154, MedGen C1858763, MONDO:0011400, OMIM 604145.
Tibial muscular dystrophy (TMD). Also called: UDD MYOPATHY; Tibial muscular dystrophy, tardive; Udd Distal Myopathy – Tibial Muscular Dystrophy. Identifiers: Orphanet 609, MedGen C1838244, MONDO:0010870, OMIM 600334.
Autosomal recessive limb-girdle muscular dystrophy type 2J (LGMDR10). Also called: MUSCULAR DYSTROPHY, LIMB-GIRDLE, AUTOSOMAL RECESSIVE 10; Limb-girdle muscular dystrophy, type 2J. Identifiers: Orphanet 140922, MedGen C1837342, MONDO:0012127, OMIM 608807.

Allele frequency attached by ClinVar (database versions not stated): gnomAD 0.00001; gnomAD exomes 0.00001; ExAC 0.00002; TOPMed 0.00002.
gnomAD v4.1: 15 of 1,581,318 alleles (0.00095%); highest among the groups gnomAD compares: African/African-American, 0.0027%; no homozygotes.

Submissions (3):

Revvity Omics, Revvity
Classification: Uncertain significance. Last evaluated: 2023-06-14. Review status: criteria provided, single submitter. Criteria: ACMG Guidelines, 2015. Collection method: clinical testing. Allele origin: germline.

Fulgent Genetics
Classification: Uncertain significance for Tibial muscular dystrophy; Myopathy, myofibrillar, 9, with early respiratory failure; Dilated cardiomyopathy 1G; Autosomal recessive limb-girdle muscular dystrophy type 2J; Early-onset myopathy with fatal cardiomyopathy; Hypertrophic cardiomyopathy 9. Last evaluated: 2021-08-23. Review status: criteria provided, single submitter. Criteria: ACMG Guidelines, 2015. Collection method: clinical testing. Allele origin: unknown.

GeneDx
Classification: Uncertain significance. Last evaluated: 2013-09-26. Review status: criteria provided, single submitter. Criteria: GeneDx Variant Classification (06012015). Collection method: clinical testing. Allele origin: germline. Affected: yes.
Comment: Missense variants in the TTN gene are considered 'unclassified' if they are not previously reported in the literature and do not have >1% frequency in the population to be considered a polymorphism. Research indicates that truncating mutations in the TTN gene are expected to account for approximately 25% of familial and 18% of sporadic idiopathic DCM; however, truncating variants in the TTN gene have been reported in approximately 3% of reported control alleles. There has been little investigation into non-truncating variants. (Herman D et al. Truncations of titin causing dilated cardiomyopathy. N Eng J Med 366:619-628, 2012) The variant is found in DCM panel(s).

NM_001267550.2(TTN):c.54854C>T (p.Thr18285Met)

Genes: TTN (titin; minus strand), TTN-AS1 (TTN antisense RNA 1; plus strand). Cytogenetic location: 2q31.2.
Variant type: single nucleotide variant.
Coding change: c.54854C>T on transcript NM_001267550.2 (MANE Select); coding-DNA position 54854, C replaced by T.
Protein change: p.Thr18285Met; replaces threonine 18285 with methionine.
Molecular consequence: missense variant.
Genome position (GRCh38, 1-based): chr2:178,602,548, G>A on the plus strand (C>T on the coding strand, the complement: TTN is on the minus strand). VCF-style: chr2-178602548-G-A. GRCh37 (hg19) VCF-style: chr2-179467275-G-A.
Other names: p.T16644M:ACG>ATG; c.49931C>T, p.Thr16644Met (NM_001256850.1); c.27659C>T, p.Thr9220Met (NM_003319.4); c.47150C>T, p.Thr15717Met (NM_133378.4); c.28034C>T, p.Thr9345Met (NM_133432.3); c.28235C>T, p.Thr9412Met (NM_133437.4); short protein forms T16644M, T18285M, T9220M, T9345M, T9412M, T15717M.
Identifiers: ClinVar variation 202720 (VCV000202720.6), dbSNP rs761825854, ClinGen allele CA310080.